The following is an entry in ClinVar:

NM_004006.3(DMD):c.6763-2A>G

Gene: DMD (dystrophin; minus strand). Cytogenetic location: Xp21.1.
Variant type: single nucleotide variant.
Coding change: c.6763-2A>G on transcript NM_004006.3 (MANE Select); the canonical splice acceptor site of the intron before coding-DNA position 6763, A replaced by G.
Molecular consequence: splice acceptor variant.
Genome position (GRCh38, 1-based): chrX:31,929,747, T>C on the plus strand (A>G on the coding strand, the complement: DMD is on the minus strand). VCF-style: chrX-31929747-T-C. GRCh37 (hg19) VCF-style: chrX-31947864-T-C.
Other names: c.6739-2A>G (NM_000109.4); c.2740-2A>G (NM_004011.4); c.2731-2A>G (NM_004012.4); c.-618-2A>G (NM_004023.3, NM_004020.4, NM_004022.3 and 2 more transcripts); c.6751-2A>G (NM_004009.3); c.6394-2A>G (NM_004010.3).
Identifiers: ClinVar variation 1324238 (VCV001324238.13), dbSNP rs398124033, ClinGen allele CA267113.
Genomic context (GRCh38, chrX:31,929,747, plus strand): 5'-CCAGTTTCATTTAATTGTTTGAGAATTCCCTGGCGCAGGGGCAACTCTTCCACCAGTAAC[T>C]GAAACAGACAAATGCAACAACGTTTAAAATGAATTACAGCACAATTCCAACTACCTTGTC-3'

ClinVar aggregate classification (germline): Likely pathogenic. Review status: criteria provided, multiple submitters, no conflicts (2 of 4 stars). 4 submissions from 4 submitters: Likely pathogenic (4). Last evaluated 2024-09-05.

Conditions:
Becker muscular dystrophy, Cardiomyopathy, Duchenne muscular dystrophy, Dystrophin deficiency.
Becker muscular dystrophy (BMD). Also called: MUSCULAR DYSTROPHY, PSEUDOHYPERTROPHIC PROGRESSIVE, BECKER TYPE; Becker Muscular Dystrophy (BMD). Identifiers: Orphanet 98895, MedGen C0917713, MONDO:0010311, OMIM 300376.
Dilated cardiomyopathy 3B (CMD3B). Also called: CMD3B: DMD-Related Dilated Cardiomyopathy; CARDIOMYOPATHY, DILATED, X-LINKED; DMD-Associated Dilated Cardiomyopathy. Identifiers: Orphanet 154, MedGen C3668940, MONDO:0010542, OMIM 302045.
Duchenne muscular dystrophy (DMD). Also called: MUSCULAR DYSTROPHY, PSEUDOHYPERTROPHIC PROGRESSIVE, DUCHENNE TYPE; Duchenne Muscular Dystrophy (DMD). Identifiers: Orphanet 98896, MedGen C0013264, MONDO:0010679, OMIM 310200.

Allele frequency attached by ClinVar (database versions not stated): gnomAD exomes below 0.00001 and 0.00001.
gnomAD v4.1: 1 of 1,211,156 alleles (0.000083%); highest among the groups gnomAD compares: Admixed American, 0.0022%; no homozygotes.

Submissions (4):

Natera, Inc.
Classification: Likely pathogenic for Becker muscular dystrophy, Cardiomyopathy, Duchenne muscular dystrophy, Dystrophin deficiency. Last evaluated: 2024-09-05. Review status: criteria provided, single submitter. Criteria: Natera Variant Classification Schema (03/2026). Collection method: clinical testing. Allele origin: germline.
Comment: The c.6763-2A>G variant in DMD is a canonical splice acceptor site variant predicted to affect pre-mRNA splicing, which may result in an abnormal transcript and altered protein product. This variant is expected to result in nonsense mediated decay, truncation, or a dysfunctional protein product. This variant is rare in the general population with a frequency below the threshold expected for the associated phenotype(s). Given the available evidence, this variant is classified as Likely Pathogenic.

Labcorp Genetics (formerly Invitae), Labcorp
Classification: Likely pathogenic for Duchenne muscular dystrophy. Last evaluated: 2023-09-19. Review status: criteria provided, single submitter. Criteria: Invitae Variant Classification Sherloc (09022015). Collection method: clinical testing. Allele origin: germline.
Comment: This sequence change affects an acceptor splice site in intron 46 of the DMD gene. It is expected to disrupt RNA splicing. Variants that disrupt the donor or acceptor splice site typically lead to a loss of protein function (PMID: 16199547), and loss-of-function variants in DMD are known to be pathogenic (PMID: 16770791, 25007885). This variant is present in population databases (rs398124033, gnomAD 0.004%). Disruption of this splice site has been observed in individual(s) with clinical features of DMD-related conditions (PMID: 16770791, 33644936). ClinVar contains an entry for this variant (Variation ID: 1324238). Algorithms developed to predict the effect of sequence changes on RNA splicing suggest that this variant may disrupt the consensus splice site. In summary, the currently available evidence indicates that the variant is pathogenic, but additional data are needed to prove that conclusively. Therefore, this variant has been classified as Likely Pathogenic.

Revvity Omics, Revvity
Classification: Likely pathogenic. Last evaluated: 2021-12-20. Review status: criteria provided, single submitter. Criteria: ACMG Guidelines, 2015. Collection method: clinical testing. Allele origin: germline.

Fulgent Genetics
Classification: Likely pathogenic for Becker muscular dystrophy; Dilated cardiomyopathy 3B; Duchenne muscular dystrophy. Last evaluated: 2021-10-17. Review status: criteria provided, single submitter. Criteria: ACMG Guidelines, 2015. Collection method: clinical testing. Allele origin: unknown.

Literature cited by the submitters: PubMed 16199547 (cited by Labcorp Genetics (formerly Invitae), Labcorp); PubMed 16770791 (cited by Labcorp Genetics (formerly Invitae), Labcorp); PubMed 25007885 (cited by Labcorp Genetics (formerly Invitae), Labcorp); PubMed 33644936 (cited by Labcorp Genetics (formerly Invitae), Labcorp).